The following is an entry in ClinVar:

ClinVar aggregate classification (germline): Likely benign (0 of 4 stars; one submission).

Conditions:
BRD4-related disorder. Also called: BRD4-related condition.

Allele frequency attached by ClinVar (database versions not stated): gnomAD 0.00001; gnomAD exomes 0.00001; TOPMed 0.00001.
gnomAD v4.1: 13 of 1,614,072 alleles (0.00081%); highest among the groups gnomAD compares: East Asian, 0.0022%; no homozygotes.

Submission:

PreventionGenetics, part of Exact Sciences
Classification: Likely benign for BRD4-related condition. Last evaluated: 2020-02-14. Review status: no assertion criteria provided. Collection method: clinical testing. Allele origin: germline.
Comment: This variant is classified as likely benign based on ACMG/AMP sequence variant interpretation guidelines (Richards et al. 2015 PMID: 25741868, with internal and published modifications).

NM_001379291.1(BRD4):c.132C>T (p.Asn44=)

Gene: BRD4 (bromodomain containing 4; minus strand). Cytogenetic location: 19p13.12.
Variant type: single nucleotide variant.
Coding change: c.132C>T on transcript NM_001379291.1 (MANE Select); coding-DNA position 132, C replaced by T.
Protein change: p.Asn44=; no amino-acid change (asparagine 44 retained).
Molecular consequence: synonymous variant.
Genome position (GRCh38, 1-based): chr19:15,272,968, G>A on the plus strand (C>T on the coding strand, the complement: BRD4 is on the minus strand). VCF-style: chr19-15272968-G-A. GRCh37 (hg19) VCF-style: chr19-15383779-G-A.
Other names: c.132C>T, p.Asn44= (NM_001330384.2, NM_001379292.1, NM_014299.3 and 1 more transcripts).
Identifiers: ClinVar variation 3051567 (VCV003051567.2), dbSNP rs1374827173, ClinGen allele CA506079068.
Genomic context (GRCh38, chr19:15,272,968, plus strand): 5'-TTGCAGTTGGTTGGTCTGCCTCTTGGGCTTGTTAGGGTTGGAGGTCTCTGGGGGCGGGGG[G>A]TTGGTGCTGGCTGCGTTGGCTGGCTGGGGTTGGGCCTGGGCCTGTGTTGTAGACATTTGG-3'
Protein context (NP_001366220.1, residues 34-54): QPQPANAAST[Asn44=]PPPPETSNPN